The following is an entry in ClinVar:

ClinVar aggregate classification (germline): Benign/Likely benign. Review status: criteria provided, multiple submitters, no conflicts (2 of 4 stars). 4 submissions from 4 submitters: Benign (1); Likely benign (3). Last evaluated 2025-03-09.

Conditions:
Long QT syndrome (LQTS). Identifiers: MedGen C0023976, MeSH D008133, MONDO:0002442. Disease mechanism: loss of function. Inheritance: Various modes of inheritance.
Cardiovascular phenotype. Identifiers: MedGen CN230736.

Allele frequency attached by ClinVar (database versions not stated): gnomAD 0.00002 and 0.00003; TOPMed 0.00002; 1000 Genomes Project 30x 0.00016; 1000 Genomes Project 0.00020.
gnomAD v4.1: 26 of 1,334,908 alleles (0.0019%); highest among the groups gnomAD compares: Non-Finnish European, 0.0024%; no homozygotes.

Submissions (4):

Labcorp Genetics (formerly Invitae), Labcorp
Classification: Likely benign for Long QT syndrome. Last evaluated: 2025-03-09. Review status: criteria provided, single submitter. Criteria: Invitae Variant Classification Sherloc (09022015). Collection method: clinical testing. Allele origin: germline.

Blueprint Genetics
Classification: Likely benign. Last evaluated: 2023-01-03. Review status: criteria provided, single submitter. Criteria: ACMG Guidelines, 2015. Collection method: clinical testing. Allele origin: germline.

Ambry Genetics
Classification: Likely benign for Cardiovascular phenotype. Last evaluated: 2020-01-21. Review status: criteria provided, single submitter. Criteria: Ambry Variant Classification Scheme 2023. Collection method: clinical testing. Allele origin: germline.

GeneDx
Classification: Benign. Last evaluated: 2016-04-04. Review status: criteria provided, single submitter. Criteria: GeneDx Variant Classification (06012015). Collection method: clinical testing. Allele origin: germline. Affected: yes.
Comment: This variant is considered likely benign or benign based on one or more of the following criteria: it is a conservative change, it occurs at a poorly conserved position in the protein, it is predicted to be benign by multiple in silico algorithms, and/or has population frequency not consistent with disease.

NM_000238.4(KCNH2):c.817C>A (p.Arg273=)

Gene: KCNH2 (potassium voltage-gated channel subfamily H member 2; minus strand). Cytogenetic location: 7q36.1.
Variant type: single nucleotide variant.
Coding change: c.817C>A on transcript NM_000238.4 (MANE Select); coding-DNA position 817, C replaced by A.
Protein change: p.Arg273=; no amino-acid change (arginine 273 retained).
Molecular consequence: synonymous variant. On other transcripts: non-coding transcript variant (1).
Genome position (GRCh38, 1-based): chr7:150,958,158, G>T on the plus strand (C>A on the coding strand, the complement: KCNH2 is on the minus strand). VCF-style: chr7-150958158-G-T. GRCh37 (hg19) VCF-style: chr7-150655246-G-T.
Other names: c.529C>A, p.Arg177= (NM_001406753.1, NM_001406756.1); c.640C>A, p.Arg214= (NM_001406755.1); c.517C>A, p.Arg173= (NM_001406757.1); c.817C>A, p.Arg273= (NM_172056.3).
Identifiers: ClinVar variation 377952 (VCV000377952.12), dbSNP rs552583527, ClinGen allele CA16605083.